The following is an entry in ClinVar:

NM_007347.5(AP4E1):c.3079C>T (p.Leu1027=)

Gene: AP4E1 (adaptor related protein complex 4 subunit epsilon 1; plus strand). Cytogenetic location: 15q21.2.
Variant type: single nucleotide variant.
Coding change: c.3079C>T on transcript NM_007347.5 (MANE Select); coding-DNA position 3079, C replaced by T.
Protein change: p.Leu1027=; no amino-acid change (leucine 1027 retained).
Molecular consequence: synonymous variant.
Genome position (GRCh38, 1-based): chr15:50,999,246, C>T. VCF-style: chr15-50999246-C-T. GRCh37 (hg19) VCF-style: chr15-51291443-C-T.
Other names: c.2854C>T, p.Leu952= (NM_001252127.2).
Identifiers: ClinVar variation 508250 (VCV000508250.15), dbSNP rs187436884, ClinGen allele CA7559433.

ClinVar aggregate classification (germline): Benign/Likely benign. Review status: criteria provided, multiple submitters, no conflicts (2 of 4 stars). 5 submissions from 4 submitters: Benign (3); Likely benign (2). Last evaluated 2026-04-01.

Conditions:
Hereditary spastic paraplegia 51. Also called: CEREBRAL PALSY, SPASTIC QUADRIPLEGIC, 4; Spastic paraplegia 51, autosomal recessive. Identifiers: Orphanet 280763, MedGen C3151056, MONDO:0013401, OMIM 613744.
Spastic paraplegia. Identifiers: MedGen C0037772, HP:0001258.
Stuttering, familial persistent, 1. Also called: STAMMERING. Identifiers: MedGen C3489627, MONDO:0008483, OMIM 184450.

Allele frequency attached by ClinVar (database versions not stated): gnomAD 0.00011; 1000 Genomes Project 0.00020; 1000 Genomes Project 30x 0.00031; TOPMed 0.00035.
gnomAD v4.1: 238 of 1,611,128 alleles (0.015%); highest among the groups gnomAD compares: Admixed American, 0.4%; 2 homozygotes.

Submissions (5):

CeGaT Center for Human Genetics Tuebingen
Classification: Likely benign. Last evaluated: 2026-04-01. Review status: criteria provided, single submitter. Criteria: CeGaT Center For Human Genetics Tuebingen Variant Classification Criteria Version 2. Collection method: clinical testing. Allele origin: germline. Affected: yes. Observed: 1 variant allele.
Comment: AP4E1: BP4, BP7

Labcorp Genetics (formerly Invitae), Labcorp
Classification: Benign for Spastic paraplegia. Last evaluated: 2025-09-28. Review status: criteria provided, single submitter. Criteria: Invitae Variant Classification Sherloc (09022015). Collection method: clinical testing. Allele origin: germline.

Genome-Nilou Lab
Classification: Benign for Hereditary spastic paraplegia 51. Last evaluated: 2021-12-05. Review status: criteria provided, single submitter. Criteria: ACMG Guidelines, 2015. Collection method: clinical testing. Allele origin: germline. Affected: no.

Genome-Nilou Lab
Classification: Benign for Stuttering, familial persistent, 1. Last evaluated: 2021-12-05. Review status: criteria provided, single submitter. Criteria: ACMG Guidelines, 2015. Collection method: clinical testing. Allele origin: germline. Affected: no.

GeneDx
Classification: Likely benign. Last evaluated: 2017-03-22. Review status: criteria provided, single submitter. Criteria: GeneDx Variant Classification (06012015). Collection method: clinical testing. Allele origin: germline. Affected: yes.
Comment: This variant is considered likely benign or benign based on one or more of the following criteria: it is a conservative change, it occurs at a poorly conserved position in the protein, it is predicted to be benign by multiple in silico algorithms, and/or has population frequency not consistent with disease.